The following is an entry in ClinVar:

NM_182961.4(SYNE1):c.17539A>G (p.Met5847Val)

Genes: SYNE1 (spectrin repeat containing nuclear envelope protein 1; minus strand), LOC129997480 (ATAC-STARR-seq lymphoblastoid active region 25287; plus strand). Cytogenetic location: 6q25.2.
Variant type: single nucleotide variant.
Coding change: c.17539A>G on transcript NM_182961.4 (MANE Select); coding-DNA position 17539, A replaced by G.
Protein change: p.Met5847Val; replaces methionine 5847 with valine.
Molecular consequence: missense variant.
Genome position (GRCh38, 1-based): chr6:152,301,871, T>C on the plus strand (A>G on the coding strand, the complement: SYNE1 is on the minus strand). VCF-style: chr6-152301871-T-C. GRCh37 (hg19) VCF-style: chr6-152623006-T-C.
Other names: c.17326A>G, p.Met5776Val (NM_033071.5); short protein forms M5776V, M5847V.
Identifiers: ClinVar variation 2657012 (VCV002657012.25), dbSNP rs771018016, ClinGen allele CA4055209.

ClinVar aggregate classification (germline): Uncertain significance. Review status: criteria provided, multiple submitters, no conflicts (2 of 4 stars). 2 submissions from 2 submitters: Uncertain significance (2). Last evaluated 2026-01-01.

Allele frequency attached by ClinVar (database versions not stated): ExAC 0.00001.
gnomAD v4.1: 2 of 1,610,770 alleles (0.00012%); highest among the groups gnomAD compares: African/African-American, 0.0013%; no homozygotes.

Submissions (2):

CeGaT Center for Human Genetics Tuebingen
Classification: Uncertain significance. Last evaluated: 2026-01-01. Review status: criteria provided, single submitter. Criteria: CeGaT Center For Human Genetics Tuebingen Variant Classification Criteria Version 2. Collection method: clinical testing. Allele origin: germline. Affected: yes. Observed: 2 variant alleles.
Comment: SYNE1: PM2

GeneDx
Classification: Uncertain significance. Last evaluated: 2023-12-09. Review status: criteria provided, single submitter. Criteria: GeneDx Variant Classification Process June 2021. Collection method: clinical testing. Allele origin: germline. Affected: yes.
Comment: Not observed at significant frequency in large population cohorts (gnomAD); In silico analysis supports that this missense variant has a deleterious effect on protein structure/function; Has not been previously published as pathogenic or benign to our knowledge